The following is an entry in ClinVar:

NM_000321.3(RB1):c.238A>G (p.Lys80Glu)

Gene: RB1 (RB transcriptional corepressor 1; plus strand). Cytogenetic location: 13q14.2.
Variant type: single nucleotide variant.
Coding change: c.238A>G on transcript NM_000321.3 (MANE Select); coding-DNA position 238, A replaced by G.
Protein change: p.Lys80Glu; replaces lysine 80 with glutamic acid.
Molecular consequence: missense variant.
Genome position (GRCh38, 1-based): chr13:48,307,380, A>G. VCF-style: chr13-48307380-A-G. GRCh37 (hg19) VCF-style: chr13-48881516-A-G.
Other names: short protein forms K80E.
Identifiers: ClinVar variation 410925 (VCV000410925.17), dbSNP rs751870680, ClinGen allele CA035434.
Genomic context (GRCh38, chr13:48,307,380, plus strand): 5'-TTATGTCAGAAATTAAAGATACCAGATCATGTCAGAGAGAGAGCTTGGTTAACTTGGGAG[A>G]AAGTTTCATCTGTGGATGGAGTATTGGTAAGGATTTTCTTAAAACGTTTTGAAATTTTTT-3'
Protein context (NP_000312.2, residues 70-90): VRERAWLTWE[Lys80Glu]VSSVDGVLGG

ClinVar aggregate classification (germline): Conflicting classifications of pathogenicity. Review status: criteria provided, conflicting classifications (1 of 4 stars). 4 submissions from 4 submitters: Uncertain significance (2); Benign (1); Likely benign (1). Last evaluated 2026-01-02.

Conditions:
Retinoblastoma (RB1). Also called: RETINOBLASTOMA, SOMATIC. Identifiers: Orphanet 790, MedGen C0035335, MeSH D012175, MONDO:0008380, OMIM 180200, HP:0009919. Disease mechanism: loss of function. Inheritance: Both sporadic and heritable forms are tested..
Hereditary cancer-predisposing syndrome. Also called: Tumor predisposition; Hereditary Cancer Syndrome; Hereditary neoplastic syndrome; Neoplastic Syndromes, Hereditary. Identifiers: Orphanet 140162, MedGen C0027672, MeSH D009386, MONDO:0015356.

Allele frequency attached by ClinVar (database versions not stated): gnomAD 0.00001; TOPMed 0.00001.
gnomAD v4.1: 19 of 1,613,454 alleles (0.0012%); highest among the groups gnomAD compares: Non-Finnish European, 0.0016%; no homozygotes.

Submissions (4):

Labcorp Genetics (formerly Invitae), Labcorp
Classification: Benign for Retinoblastoma. Last evaluated: 2026-01-02. Review status: criteria provided, single submitter. Criteria: Invitae Variant Classification Sherloc (09022015). Collection method: clinical testing. Allele origin: germline.

Color Diagnostics, LLC DBA Color Health
Classification: Likely benign for Retinoblastoma. Last evaluated: 2025-07-03. Review status: criteria provided, single submitter. Criteria: ACMG Guidelines, 2015. Collection method: clinical testing. Allele origin: germline.

Ambry Genetics
Classification: Uncertain significance for Hereditary cancer-predisposing syndrome. Last evaluated: 2025-04-19. Review status: criteria provided, single submitter. Criteria: Ambry Variant Classification Scheme 2023. Collection method: clinical testing. Allele origin: germline.
Comment: The p.K80E variant (also known as c.238A>G), located in coding exon 2 of the RB1 gene, results from an A to G substitution at nucleotide position 238. The lysine at codon 80 is replaced by glutamic acid, an amino acid with similar properties. This variant has been reported in 1/1120 pediatric cancer patients who underwent whole genome sequencing and/or whole-exome sequencing; this patient was diagnosed with Ewing's sarcoma (Zhang J et al. N Engl J Med, 2015 Dec;373:2336-2346). This amino acid position is highly conserved in available vertebrate species. In addition, this alteration is predicted to be tolerated by in silico analysis. Since supporting evidence is limited at this time, the clinical significance of this alteration remains unclear.

All of Us Research Program, National Institutes of Health
Classification: Uncertain significance for Retinoblastoma. Last evaluated: 2024-09-27. Review status: criteria provided, single submitter. Criteria: ACMG Guidelines, 2015. Collection method: clinical testing. Allele origin: germline. Inheritance: Autosomal dominant inheritance. Observed: 5 variant alleles, 5 heterozygotes.
Comment: This missense variant replaces lysine with glutamic acid at codon 80 of the RB1 protein. Computational prediction suggests that this variant may not impact protein structure and function (internally defined REVEL score threshold <= 0.5, PMID: 27666373). To our knowledge, functional studies have not been reported for this variant. This variant has been reported in a pediatric individual affected with Ewing's sarcoma (PMID: 26580448). This variant has been identified in 2/251344 chromosomes in the general population by the Genome Aggregation Database (gnomAD). The available evidence is insufficient to determine the role of this variant in disease conclusively. Therefore, this variant is classified as a Variant of Uncertain Significance.

This study involves interpretation of variants in research participants for the purpose of population health screening. Participant phenotype was not available at the time of variant classification. Additional details can be found in publication PMID: 35346344, PMCID: PMC8962531

Literature cited by the submitters: PubMed 26580448 (cited by Ambry Genetics and All of Us Research Program, National Institutes of Health).